The following is an entry in ClinVar:

NM_024577.4(SH3TC2):c.2051A>G (p.Tyr684Cys)

Gene: SH3TC2 (SH3 domain and tetratricopeptide repeats 2; minus strand). Cytogenetic location: 5q32.
Variant type: single nucleotide variant.
Coding change: c.2051A>G on transcript NM_024577.4 (MANE Select); coding-DNA position 2051, A replaced by G.
Protein change: p.Tyr684Cys; replaces tyrosine 684 with cysteine.
Molecular consequence: missense variant.
Genome position (GRCh38, 1-based): chr5:149,027,681, T>C on the plus strand (A>G on the coding strand, the complement: SH3TC2 is on the minus strand). VCF-style: chr5-149027681-T-C. GRCh37 (hg19) VCF-style: chr5-148407244-T-C.
Other names: short protein forms Y684C.
Identifiers: ClinVar variation 2709705 (VCV002709705.3), dbSNP rs775135143, ClinGen allele CA3499068.
Genomic context (GRCh38, chr5:149,027,681, plus strand): 5'-ATCCCTTGGGCACTCTGGATACCATGTTGCTGGACAGAGGCCACTGCAAGGTGTGGAAGA[T>C]ATTTCTTGTCATACAGAAAACTCAAAACACTGGCCACAGCCTCAGAGGCAGGAGGGTGTC-3'
Protein context (NP_078853.2, residues 674-694): SVLSFLYDKK[Tyr684Cys]LPHLAVASVQ

ClinVar aggregate classification (germline): Uncertain significance (1 of 4 stars; one submission).

Conditions:
Charcot-Marie-Tooth disease type 4. Also called: Charcot-Marie-Tooth disease, type IV; Charcot-Marie-Tooth, Type 4. Identifiers: Orphanet 64749, MedGen C4082197, MONDO:0018995.

Allele frequency attached by ClinVar (database versions not stated): gnomAD exomes below 0.00001; ExAC 0.00001.

Submission:

Labcorp Genetics (formerly Invitae), Labcorp
Classification: Uncertain significance for Charcot-Marie-Tooth disease type 4. Last evaluated: 2024-05-23. Review status: criteria provided, single submitter. Criteria: Invitae Variant Classification Sherloc (09022015). Collection method: clinical testing. Allele origin: germline.
Comment: This sequence change replaces tyrosine, which is neutral and polar, with cysteine, which is neutral and slightly polar, at codon 684 of the SH3TC2 protein (p.Tyr684Cys). This variant is present in population databases (rs775135143, gnomAD 0.003%). This missense change has been observed in individual(s) with Charcot-Marie-Tooth disease (PMID: 34190362). Advanced modeling of protein sequence and biophysical properties (such as structural, functional, and spatial information, amino acid conservation, physicochemical variation, residue mobility, and thermodynamic stability) performed at Invitae indicates that this missense variant is not expected to disrupt SH3TC2 protein function with a negative predictive value of 95%. In summary, the available evidence is currently insufficient to determine the role of this variant in disease. Therefore, it has been classified as a Variant of Uncertain Significance.

Literature cited by the submitters: PubMed 34190362.